The following is an entry in ClinVar:

GRCh38/hg38 7q21.11(chr7:83106737-83290446)x1

Genes: PCLO (piccolo presynaptic cytomatrix protein; minus strand), LOC129998728 (ATAC-STARR-seq lymphoblastoid silent region 18336; plus strand), LOC129998729 (ATAC-STARR-seq lymphoblastoid active region 26214; plus strand). Cytogenetic location: 7q21.11.
Variant type: copy number loss.
Change: copy number 1 (one copy instead of two) of chr7:83,106,737-83,290,446 (183.7 kb, GRCh38 coordinates, 1-based), cytogenetic band 7q21.11.
Identifiers: ClinVar variation 57396 (VCV000057396.1).

ClinVar aggregate classification (germline): Uncertain significance (1 of 4 stars; one submission).

Submission:

ISCA site 4
Classification: Uncertain significance. Last evaluated: 2011-08-12. Review status: criteria provided, single submitter. Criteria: Kaminsky et al. (Genet Med. 2011). Collection method: clinical testing. Allele origin: unknown. Affected: yes. Observed: 1 variant allele.
Comment: Copy number variation identified through the course of routine clinical cytogenomic testing in postnatal populations. Clinical assertions have been curated as described in Kaminsky et al. 2011.